The following is an entry in ClinVar:

NM_006393.3(NEBL):c.625G>A (p.Ala209Thr)

Gene: NEBL (nebulette; minus strand). Cytogenetic location: 10p12.31.
Variant type: single nucleotide variant.
Coding change: c.625G>A on transcript NM_006393.3 (MANE Select); coding-DNA position 625, G replaced by A.
Protein change: p.Ala209Thr; replaces alanine 209 with threonine.
Molecular consequence: missense variant. On other transcripts: intron variant (9).
Genome position (GRCh38, 1-based): chr10:20,868,723, C>T on the plus strand (G>A on the coding strand, the complement: NEBL is on the minus strand). VCF-style: chr10-20868723-C-T. GRCh37 (hg19) VCF-style: chr10-21157652-C-T.
Other names: c.250-55783G>A (NM_001377326.1, NM_001377327.1, NM_001377328.1); c.358-55783G>A (NM_213569.2, NM_001173484.2, NM_001377322.1); c.301-55783G>A (NM_001377324.1); c.292-55783G>A (NM_001377325.1); c.310-55783G>A (NM_001377323.1); short protein forms A209T.
Identifiers: ClinVar variation 373686 (VCV000373686.18), dbSNP rs142138590, ClinGen allele CA5433170.
Genomic context (GRCh38, chr10:20,868,723, plus strand): 5'-CTTGACTAGAAAGTTTAGAAGCTTCCACGGCATGTTCAAAATCTGGTCTTCCAATTACAG[C>T]GGGCTCTTTATTCATTATTCCTTGTCCTTTCTTGTATTCTGCCTAAAATGAATAAATAAG-3'
Protein context (NP_006384.1, residues 199-219): KGQGIMNKEP[Ala209Thr]VIGRPDFEHA

ClinVar aggregate classification (germline): Conflicting classifications of pathogenicity. Review status: criteria provided, conflicting classifications (1 of 4 stars). 4 submissions from 4 submitters: Uncertain significance (3); Likely benign (1). Last evaluated 2026-01-13.

Conditions:
Primary dilated cardiomyopathy (DCM). Also called: Dilated Cardiomyopathy. Identifiers: Orphanet 217604, MedGen C0007193, MeSH D002311, MONDO:0005021, HP:0001644. Inheritance: Various modes of inheritance.

Allele frequency attached by ClinVar (database versions not stated): gnomAD 0.00003 and 0.00004; ExAC 0.00004; TOPMed 0.00006; ESP Exome Variant Server 0.00008.
gnomAD v4.1: 210 of 1,612,494 alleles (0.013%); highest among the groups gnomAD compares: Non-Finnish European, 0.017%; no homozygotes.

Submissions (4):

Labcorp Genetics (formerly Invitae), Labcorp
Classification: Uncertain significance for Primary dilated cardiomyopathy. Last evaluated: 2026-01-13. Review status: criteria provided, single submitter. Criteria: Invitae Variant Classification Sherloc (09022015). Collection method: clinical testing. Allele origin: germline.
Comment: This sequence change replaces alanine, which is neutral and non-polar, with threonine, which is neutral and polar, at codon 209 of the NEBL protein (p.Ala209Thr). This variant is present in population databases (rs142138590, gnomAD 0.01%). This variant has not been reported in the literature in individuals affected with NEBL-related conditions. ClinVar contains an entry for this variant (Variation ID: 373686). An algorithm developed to predict the effect of missense changes on protein structure and function (PolyPhen-2) suggests that this variant is likely to be tolerated. In summary, the available evidence is currently insufficient to determine the role of this variant in disease. Therefore, it has been classified as a Variant of Uncertain Significance.

Ambry Genetics
Classification: Uncertain significance. Last evaluated: 2025-08-04. Review status: criteria provided, single submitter. Criteria: Ambry Variant Classification Scheme 2023. Collection method: clinical testing. Allele origin: germline.

Women's Health and Genetics/Laboratory Corporation of America, LabCorp
Classification: Likely benign. Last evaluated: 2023-08-22. Review status: criteria provided, single submitter. Criteria: LabCorp Variant Classification Summary - May 2015. Collection method: clinical testing. Allele origin: germline.
Comment: Variant summary: NEBL c.625G>A (p.Ala209Thr) results in a non-conservative amino acid change in the encoded protein sequence. Four of five in-silico tools predict a benign effect of the variant on protein function. The variant allele was found at a frequency of 7.2e-05 in 251150 control chromosomes (gnomAD). The observed variant frequency is approximately 9-fold of the estimated maximal expected allele frequency for a pathogenic variant in NEBL causing Dilated Cardiomyopathy phenotype (7.8e-06), strongly suggesting that the variant is benign. To our knowledge, no occurrence of c.625G>A in individuals affected with Dilated Cardiomyopathy and no experimental evidence demonstrating its impact on protein function have been reported. Three submitters have cited clinical-significance assessments for this variant to ClinVar after 2014. All submitters classified the variant as uncertain significance. Based on the evidence outlined above, the variant was classified as likely benign.

GeneDx
Classification: Uncertain significance. Last evaluated: 2021-12-20. Review status: criteria provided, single submitter. Criteria: GeneDx Variant Classification Process June 2021. Collection method: clinical testing. Allele origin: germline. Affected: yes.
Comment: Has not been previously published as pathogenic or benign to our knowledge; In silico analysis supports that this missense variant does not alter protein structure/function; Variants in candidate genes are classified as variants of uncertain significance in accordance with ACMG guidelines (Richards et al., 2015); Reported in ClinVar as a variant of uncertain significance (ClinVar Variant ID# 373686; Landrum et al., 2016); This variant is associated with the following publications: (PMID: 26582918)